The following is an entry in ClinVar:

ClinVar aggregate classification (germline): Uncertain significance (1 of 4 stars; one submission).

gnomAD v4.1: 6 of 1,613,816 alleles (0.00037%); highest among the groups gnomAD compares: Admixed American, 0.0017%; no homozygotes.

Submission:

Women's Health and Genetics/Laboratory Corporation of America, LabCorp
Classification: Uncertain significance. Last evaluated: 2025-10-07. Review status: criteria provided, single submitter. Criteria: LabCorp Variant Classification Summary - May 2015. Collection method: clinical testing. Allele origin: germline.
Comment: Variant summary: MACF1 c.5842A>G (p.Met1948Val) results in a conservative amino acid change in the encoded protein sequence. Algorithms developed to predict the effect of missense changes on protein structure and function all suggest that this variant is likely to be tolerated. The variant was absent in 251024 control chromosomes. The available data on variant occurrences in the general population are insufficient to allow any conclusion about variant significance. To our knowledge, no occurrence of c.5842A>G in individuals affected with MACF1-related conditions and no experimental evidence demonstrating its impact on protein function have been reported. No submitters have cited clinical-significance assessments for this variant to ClinVar. Based on the evidence outlined above, the variant was classified as uncertain significance.

NM_001394062.1(MACF1):c.12028A>G (p.Met4010Val)

Genes: MACF1 (microtubule actin crosslinking factor 1; plus strand), LOC126805711 (CDK7 strongly-dependent group 2 enhancer GRCh37_chr1:39824023-39825222; plus strand). Cytogenetic location: 1p34.3.
Variant type: single nucleotide variant.
Coding change: c.12028A>G on transcript NM_001394062.1 (MANE Select); coding-DNA position 12028, A replaced by G.
Protein change: p.Met4010Val; replaces methionine 4010 with valine.
Molecular consequence: missense variant.
Genome position (GRCh38, 1-based): chr1:39,358,781, A>G. VCF-style: chr1-39358781-A-G. GRCh37 (hg19) VCF-style: chr1-39824453-A-G.
Other names: c.5842A>G, p.Met1948Val (NM_012090.5); short protein forms M1948V, M4010V.
Identifiers: ClinVar variation 4687529 (VCV004687529.1).
Genomic context (GRCh38, chr1:39,358,781, plus strand): 5'-AATATGCTGTTAGGCCAGTATCATCAATTCCAAAACAGTGCTGACAGCCTGCAGGCCTGG[A>G]TGCAGGCTTGTGAGGCCAACGTGGAGAAGCTCCTCTCAGATACTGTTGCCTCTGACCCTG-3'
Protein context (NP_001380991.1, residues 4000-4020): QNSADSLQAW[Met4010Val]QACEANVEKL